The following is an entry in ClinVar:

NM_005144.5(HR):c.2211C>T (p.Pro737=)

Gene: HR (HR lysine demethylase and nuclear receptor corepressor; minus strand). Cytogenetic location: 8p21.3.
Variant type: single nucleotide variant.
Coding change: c.2211C>T on transcript NM_005144.5 (MANE Select); coding-DNA position 2211, C replaced by T.
Protein change: p.Pro737=; no amino-acid change (proline 737 retained).
Molecular consequence: synonymous variant.
Genome position (GRCh38, 1-based): chr8:22,121,221, G>A on the plus strand (C>T on the coding strand, the complement: HR is on the minus strand). VCF-style: chr8-22121221-G-A. GRCh37 (hg19) VCF-style: chr8-21978734-G-A.
Other names: c.2211C>T, p.Pro737= (NM_018411.4).
Identifiers: ClinVar variation 362501 (VCV000362501.23), dbSNP rs77689228, ClinGen allele CA4662176.

ClinVar aggregate classification (germline): Benign. Review status: criteria provided, multiple submitters, no conflicts (2 of 4 stars). 5 submissions from 4 submitters: Benign (5). Last evaluated 2026-05-01.

Conditions:
Atrichia with papular lesions (APL). Also called: PAPULAR ATRICHIA. Identifiers: Orphanet 86819, MedGen C1859592, MONDO:0008847, OMIM 209500.
Alopecia universalis congenita (ALUNC). Also called: ATRICHIA, GENERALIZED. Identifiers: Orphanet 701, MedGen C1859877, MONDO:0008757, OMIM 203655.

Allele frequency attached by ClinVar (database versions not stated): 1000 Genomes Project 0.00659; 1000 Genomes Project 30x 0.00703; ExAC 0.01158; TOPMed 0.01170; gnomAD exomes 0.01211 and 0.01250; gnomAD 0.01218 and 0.01241; ESP Exome Variant Server 0.01246.
gnomAD v4.1: 20,196 of 1,613,704 alleles (1.3%); highest among the groups gnomAD compares: Middle Eastern, 1.9%; 152 homozygotes.

Submissions (5):

CeGaT Center for Human Genetics Tuebingen
Classification: Benign. Last evaluated: 2026-05-01. Review status: criteria provided, single submitter. Criteria: CeGaT Center For Human Genetics Tuebingen Variant Classification Criteria Version 2. Collection method: clinical testing. Allele origin: germline. Affected: yes. Observed: 2 variant alleles.
Comment: HR: BP4, BP7, BS1, BS2

Labcorp Genetics (formerly Invitae), Labcorp
Classification: Benign. Last evaluated: 2026-01-19. Review status: criteria provided, single submitter. Criteria: Invitae Variant Classification Sherloc (09022015). Collection method: clinical testing. Allele origin: germline.

Illumina Laboratory Services, Illumina
Classification: Benign for Atrichia with papular lesions. Last evaluated: 2018-01-12. Review status: criteria provided, single submitter. Criteria: ICSL Variant Classification Criteria 13 December 2019. Collection method: clinical testing. Allele origin: germline.
Comment: This variant was observed in the ICSL laboratory as part of a predisposition screen in an ostensibly healthy population. It had not been previously curated by ICSL or reported in the Human Gene Mutation Database (HGMD: prior to June 1st, 2018), and was therefore a candidate for classification through an automated scoring system. Utilizing variant allele frequency, disease prevalence and penetrance estimates, and inheritance mode, an automated score was calculated to assess if this variant is too frequent to cause the disease. Based on the score and internal cut-off values, a variant classified as benign is not then subjected to further curation. The score for this variant resulted in a classification of benign for this disease.

Illumina Laboratory Services, Illumina
Classification: Benign for Alopecia universalis congenita. Last evaluated: 2018-01-12. Review status: criteria provided, single submitter. Criteria: ICSL Variant Classification Criteria 13 December 2019. Collection method: clinical testing. Allele origin: germline.
Comment: the same text as in the submission from Illumina Laboratory Services, Illumina above.

Breakthrough Genomics
Classification: Benign. Review status: criteria provided, single submitter. Criteria: ACMG Guidelines, 2015. Collection method: not provided. Allele origin: germline. Inheritance: Autosomal recessive inheritance. Affected: yes.